The following is an entry in ClinVar:

ClinVar aggregate classification (germline): Likely benign (1 of 4 stars; one submission).

Allele frequency attached by ClinVar (database versions not stated): gnomAD 0.00021; ExAC 0.00034.
gnomAD v4.1: 260 of 1,503,908 alleles (0.017%); highest among the groups gnomAD compares: Non-Finnish European, 0.0047%; 42 homozygotes.

Submission:

CeGaT Center for Human Genetics Tuebingen
Classification: Likely benign. Last evaluated: 2023-06-01. Review status: criteria provided, single submitter. Criteria: CeGaT Center For Human Genetics Tuebingen Variant Classification Criteria Version 2. Collection method: clinical testing. Allele origin: germline. Affected: yes. Observed: 1 variant allele.
Comment: ZAN: BP4, BP7, BS2

NM_003386.3(ZAN):c.681T>A (p.Thr227=)

Gene: ZAN (zonadhesin; plus strand). Cytogenetic location: 7q22.1.
Variant type: single nucleotide variant.
Coding change: c.681T>A on transcript NM_003386.3 (MANE Select); coding-DNA position 681, T replaced by A.
Protein change: p.Thr227=; no amino-acid change (threonine 227 retained).
Molecular consequence: synonymous variant. On other transcripts: non-coding transcript variant (3).
Genome position (GRCh38, 1-based): chr7:100,738,528, T>A. VCF-style: chr7-100738528-T-A. GRCh37 (hg19) VCF-style: chr7-100336151-T-A.
Other names: c.681T>A, p.Thr227= (NM_173059.3).
Identifiers: ClinVar variation 2657764 (VCV002657764.24), dbSNP rs201633210, ClinGen allele CA4389832.